The following is an entry in ClinVar:

NM_000465.4(BARD1):c.1811-20C>T

Gene: BARD1 (BRCA1 associated RING domain 1; minus strand). Cytogenetic location: 2q35.
Variant type: single nucleotide variant.
Coding change: c.1811-20C>T on transcript NM_000465.4 (MANE Select); 20 bases into the intron before coding-DNA position 1811, C replaced by T.
Molecular consequence: intron variant.
Genome position (GRCh38, 1-based): chr2:214,745,179, G>A on the plus strand (C>T on the coding strand, the complement: BARD1 is on the minus strand). VCF-style: chr2-214745179-G-A. GRCh37 (hg19) VCF-style: chr2-215609903-G-A.
Other names: c.401-20C>T (NM_001282548.2); c.1754-20C>T (NM_001282543.2); c.458-20C>T (NM_001282545.2); c.365-14671C>T (NM_001282549.2).
Identifiers: ClinVar variation 1592299 (VCV001592299.10), dbSNP rs961766067, ClinGen allele CA64802400.
Genomic context (GRCh38, chr2:214,745,179, plus strand): 5'-GGTACTTTGAACTGCATCACCAGGAACAACAACATGAGTTACTAAAATACAAAAAAAGCA[G>A]TAAGAGAAAGAAAGATACAAGCCAAAGTATTTCTTTGGCCTGCTTCTTATAACTCATCTA-3'

ClinVar aggregate classification (germline): Likely benign. Review status: criteria provided, multiple submitters, no conflicts (2 of 4 stars). 2 submissions from 2 submitters: Likely benign (2). Last evaluated 2025-07-31.

Conditions:
Familial cancer of breast. Also called: hereditary breast carcinoma; BREAST CANCER, FAMILIAL; Hereditary breast cancer. Identifiers: Orphanet 227535, MedGen C0346153, MONDO:0016419, OMIM 114480. Disease mechanism: loss of function.

Submissions (2):

Labcorp Genetics (formerly Invitae), Labcorp
Classification: Likely benign for Familial cancer of breast. Last evaluated: 2025-07-31. Review status: criteria provided, single submitter. Criteria: Invitae Variant Classification Sherloc (09022015). Collection method: clinical testing. Allele origin: germline.

Myriad Genetics, Inc.
Classification: Likely benign for Familial cancer of breast. Last evaluated: 2024-07-26. Review status: criteria provided, single submitter. Criteria: Myriad Autosomal Dominant, Autosomal Recessive and X-Linked Classification Criteria (2023). Collection method: clinical testing. Allele origin: unknown.
Comment: This variant is considered likely benign. This variant is intronic and is not expected to impact mRNA splicing.